The following is an entry in ClinVar:

NM_144997.7(FLCN):c.1589A>G (p.Glu530Gly)

Gene: FLCN (folliculin; minus strand). Cytogenetic location: 17p11.2.
Variant type: single nucleotide variant.
Coding change: c.1589A>G on transcript NM_144997.7 (MANE Select); coding-DNA position 1589, A replaced by G.
Protein change: p.Glu530Gly; replaces glutamic acid 530 with glycine.
Molecular consequence: missense variant.
Genome position (GRCh38, 1-based): chr17:17,213,806, T>C on the plus strand (A>G on the coding strand, the complement: FLCN is on the minus strand). VCF-style: chr17-17213806-T-C. GRCh37 (hg19) VCF-style: chr17-17117120-T-C.
Other names: c.1643A>G, p.Glu548Gly (NM_001353229.2); c.1589A>G, p.Glu530Gly (NM_001353230.2, NM_001353231.2); short protein forms E548G, E530G.
Identifiers: ClinVar variation 1427496 (VCV001427496.6), dbSNP rs2144811512, ClinGen allele CA398530425.

ClinVar aggregate classification (germline): Uncertain significance (1 of 4 stars; one submission).

Conditions:
Birt-Hogg-Dube syndrome. Also called: Birt Hogg Dubé syndrome. Identifiers: Orphanet 122, MedGen C0346010, MONDO:0800444.

Submission:

Labcorp Genetics (formerly Invitae), Labcorp
Classification: Uncertain significance for Birt-Hogg-Dube syndrome. Last evaluated: 2021-11-25. Review status: criteria provided, single submitter. Criteria: Invitae Variant Classification Sherloc (09022015). Collection method: clinical testing. Allele origin: germline.
Comment: This sequence change replaces glutamic acid, which is acidic and polar, with glycine, which is neutral and non-polar, at codon 530 of the FLCN protein (p.Glu530Gly). This variant is not present in population databases (gnomAD no frequency). This variant has not been reported in the literature in individuals affected with FLCN-related conditions. Algorithms developed to predict the effect of missense changes on protein structure and function are either unavailable or do not agree on the potential impact of this missense change (SIFT: "Deleterious"; PolyPhen-2: "Possibly Damaging"; Align-GVGD: "Class C0"). In summary, the available evidence is currently insufficient to determine the role of this variant in disease. Therefore, it has been classified as a Variant of Uncertain Significance.